The following is an entry in ClinVar:

ClinVar aggregate classification (germline): Uncertain significance (1 of 4 stars; one submission).

Submission:

GeneDx
Classification: Uncertain significance. Last evaluated: 2026-02-03. Review status: criteria provided, single submitter. Criteria: GeneDx Variant Classification Process June 2021. Collection method: clinical testing. Allele origin: germline.
Comment: Not observed at significant frequency in large population cohorts (gnomAD); In silico analysis suggests that this missense variant does not alter protein structure/function; Has not been previously published as pathogenic or benign to our knowledge

NM_182931.3(KMT2E):c.2353T>C (p.Ser785Pro)

Gene: KMT2E (lysine methyltransferase 2E (inactive); plus strand). Cytogenetic location: 7q22.3.
Variant type: single nucleotide variant.
Coding change: c.2353T>C on transcript NM_182931.3 (MANE Select); coding-DNA position 2353, T replaced by C.
Protein change: p.Ser785Pro; replaces serine 785 with proline.
Molecular consequence: missense variant.
Genome position (GRCh38, 1-based): chr7:105,105,595, T>C. VCF-style: chr7-105105595-T-C. GRCh37 (hg19) VCF-style: chr7-104746042-T-C.
Other names: c.2353T>C, p.Ser785Pro (NM_001410908.1, NM_018682.4); short protein forms S785P.
Identifiers: ClinVar variation 4976118 (VCV004976118.1).